The following is an entry in ClinVar:

ClinVar aggregate classification (germline): Likely pathogenic (1 of 4 stars; one submission).

Conditions:
Polycystic kidney disease, adult type (PKD1). Also called: Polycystic Kidney Disease 1, Autosomal Dominant; Polycystic kidney disease 1; Polycystic kidney disease 1, severe; POLYCYSTIC KIDNEY DISEASE, ADULT, TYPE I; Polycystic Kidney, Autosomal Dominant; POLYCYSTIC KIDNEY DISEASE 1 WITH OR WITHOUT POLYCYSTIC LIVER DISEASE. Identifiers: MedGen C3149841, MONDO:0008263, OMIM 173900.

Submission:

3billion
Classification: Likely pathogenic for Polycystic kidney disease, adult type. Last evaluated: 2023-02-23. Review status: criteria provided, single submitter. Criteria: ACMG Guidelines, 2015. Collection method: clinical testing. Allele origin: unknown. Affected: yes.
Comment: The variant is not observed in the gnomAD v2.1.1 dataset. This variant was predicted to result in a loss or disruption of normal protein function through nonsense-mediated decay (NMD) or protein truncation. Multiple pathogenic variants are reported downstream of the variant. Therefore, this variant is classified as Likely pathogenic according to the recommendation of ACMG/AMP guideline.

NM_001009944.3(PKD1):c.5115del (p.Ser1705fs)

Gene: PKD1 (polycystin 1, transient receptor potential channel interacting; minus strand). Cytogenetic location: 16p13.3.
Variant type: Deletion.
Coding change: c.5115del on transcript NM_001009944.3 (MANE Select); coding-DNA position 5115, one base deleted (C; older notation c.5115delC).
Protein change: p.Ser1705fs; shifts the reading frame from serine 1705.
Molecular consequence: frameshift variant.
Genome position (GRCh38, 1-based): chr16:2,110,052, G deleted on the plus strand (C on the coding strand, the reverse complement: PKD1 is on the minus strand). VCF-style (leftmost placement, unchanged base first): chr16-2110051-CG-C. GRCh37 (hg19) VCF-style: chr16-2160052-CG-C.
Other names: c.5115del, p.Ser1705fs (NM_000296.4); short protein forms S1705fs.
Identifiers: ClinVar variation 2444335 (VCV002444335.1), dbSNP rs2544815125, ClinGen allele CA2580090933.